The following is an entry in ClinVar:

ClinVar aggregate classification (germline): Uncertain significance (1 of 4 stars; one submission).

Conditions:
Inborn genetic diseases. Identifiers: MedGen C0950123, MeSH D030342.

Submission:

Ambry Genetics
Classification: Uncertain significance for Inborn genetic diseases. Last evaluated: 2024-05-15. Review status: criteria provided, single submitter. Criteria: Ambry Variant Classification Scheme 2023. Collection method: clinical testing. Allele origin: germline.
Comment: The p.A716T variant (also known as c.2146G>A), located in coding exon 18 of the LRRK2 gene, results from a G to A substitution at nucleotide position 2146. The alanine at codon 716 is replaced by threonine, an amino acid with similar properties. This amino acid position is conserved. In addition, this alteration is predicted to be deleterious by in silico analysis. Based on the available evidence, the clinical significance of this variant remains unclear.

NM_198578.4(LRRK2):c.2146G>A (p.Ala716Thr)

Gene: LRRK2 (leucine rich repeat kinase 2; plus strand). Cytogenetic location: 12q12.
Variant type: single nucleotide variant.
Coding change: c.2146G>A on transcript NM_198578.4 (MANE Select); coding-DNA position 2146, G replaced by A.
Protein change: p.Ala716Thr; replaces alanine 716 with threonine.
Molecular consequence: missense variant.
Genome position (GRCh38, 1-based): chr12:40,278,166, G>A. VCF-style: chr12-40278166-G-A. GRCh37 (hg19) VCF-style: chr12-40671968-G-A.
Other names: short protein forms A716T.
Identifiers: ClinVar variation 3292013 (VCV003292013.1).
Genomic context (GRCh38, chr12:40,278,166, plus strand): 5'-TGCAAGTGTTTTGCAAAAGTAGCTATGGATGATTACTTAAAAAATGTGATGCTAGAGAGA[G>A]CGTGTGATCAGAATAACAGCATCATGGTTGAATGCTTGCTTCTATTGGGAGCAGATGCCA-3'
Protein context (NP_940980.4, residues 706-726): DYLKNVMLER[Ala716Thr]CDQNNSIMVE